The following is an entry in ClinVar:

NM_001267550.2(TTN):c.106990A>G (p.Ile35664Val)

Genes: TTN (titin; minus strand), TTN-AS1 (TTN antisense RNA 1; plus strand). Cytogenetic location: 2q31.2.
Variant type: single nucleotide variant.
Coding change: c.106990A>G on transcript NM_001267550.2 (MANE Select); coding-DNA position 106990, A replaced by G.
Protein change: p.Ile35664Val; replaces isoleucine 35664 with valine.
Molecular consequence: missense variant.
Genome position (GRCh38, 1-based): chr2:178,528,761, T>C on the plus strand (A>G on the coding strand, the complement: TTN is on the minus strand). VCF-style: chr2-178528761-T-C. GRCh37 (hg19) VCF-style: chr2-179393488-T-C.
Other names: p.Ile33096Val; c.102067A>G, p.Ile34023Val (NM_001256850.1); c.79795A>G, p.Ile26599Val (NM_003319.4); c.99286A>G, p.Ile33096Val (NM_133378.4); c.80170A>G, p.Ile26724Val (NM_133432.3); c.80371A>G, p.Ile26791Val (NM_133437.4); c.106990A>G (NM_001267550.1); short protein forms I35664V, I26791V, I34023V, I26599V, I26724V, I33096V.
Identifiers: ClinVar variation 915800 (VCV000915800.10), dbSNP rs781108499, ClinGen allele CA60950454.

ClinVar aggregate classification (germline): Uncertain significance. Review status: criteria provided, multiple submitters, no conflicts (2 of 4 stars). 4 submissions from 4 submitters: Uncertain significance (4). Last evaluated 2025-05-13.

Conditions:
Autosomal recessive limb-girdle muscular dystrophy type 2J (LGMDR10). Also called: Limb-girdle muscular dystrophy, type 2J; MUSCULAR DYSTROPHY, LIMB-GIRDLE, AUTOSOMAL RECESSIVE 10. Identifiers: Orphanet 140922, MedGen C1837342, MONDO:0012127, OMIM 608807.
Dilated cardiomyopathy 1G (CMD1G). Identifiers: Orphanet 154, MedGen C1858763, MONDO:0011400, OMIM 604145.
Cardiomyopathy (CMYO). Also called: Cardiomyopathies. Identifiers: Orphanet 167848, MedGen C0878544, MONDO:0004994, HP:0001638. Inheritance: Various modes of inheritance.

gnomAD v4.1: 25 of 1,613,050 alleles (0.0015%); highest among the groups gnomAD compares: East Asian, 0.0045%; no homozygotes.

Submissions (4):

Labcorp Genetics (formerly Invitae), Labcorp
Classification: Uncertain significance for Dilated cardiomyopathy 1G; Autosomal recessive limb-girdle muscular dystrophy type 2J. Last evaluated: 2025-05-13. Review status: criteria provided, single submitter. Criteria: Invitae Variant Classification Sherloc (09022015). Collection method: clinical testing. Allele origin: germline.
Comment: This sequence change replaces isoleucine, which is neutral and non-polar, with valine, which is neutral and non-polar, at codon 35664 of the TTN protein (p.Ile35664Val). This variant is present in population databases (no rsID available, gnomAD 0.003%). This variant has not been reported in the literature in individuals affected with TTN-related conditions. ClinVar contains an entry for this variant (Variation ID: 915800). Experimental studies and prediction algorithms are not available or were not evaluated, and the functional significance of this variant is currently unknown. This variant is located in the M band of TTN (PMID: 25589632). Non-truncating variants in this region may be relevant for neuromuscular disorders, but have not been definitively shown to cause cardiomyopathy (PMID: 23975875). In summary, the available evidence is currently insufficient to determine the role of this variant in disease. Therefore, it has been classified as a Variant of Uncertain Significance.

GeneDx
Classification: Uncertain significance. Last evaluated: 2024-07-18. Review status: criteria provided, single submitter. Criteria: GeneDx Variant Classification Process June 2021. Collection method: clinical testing. Allele origin: germline. Affected: yes.
Comment: Not observed at significant frequency in large population cohorts (gnomAD); Missense variant in a gene in which most reported pathogenic variants are truncating/loss-of-function; Has not been previously published as pathogenic or benign to our knowledge

Mayo Clinic Laboratories, Mayo Clinic
Classification: Uncertain significance. Last evaluated: 2024-02-12. Review status: criteria provided, single submitter. Criteria: ACMG Guidelines, 2015. Collection method: clinical testing. Allele origin: germline. Observed: 1 variant allele.

CHEO Genetics Diagnostic Laboratory, Children's Hospital of Eastern Ontario
Classification: Uncertain significance for Cardiomyopathy. Last evaluated: 2017-12-11. Review status: criteria provided, single submitter. Criteria: ACMG Guidelines, 2015. Collection method: clinical testing. Allele origin: germline.

Literature cited by the submitters: PubMed 25589632 (cited by Labcorp Genetics (formerly Invitae), Labcorp); PubMed 23975875 (cited by Labcorp Genetics (formerly Invitae), Labcorp).